The following is an entry in ClinVar:

NM_002878.4(RAD51D):c.441C>A (p.Leu147=)

Genes: RAD51L3-RFFL (RAD51L3-RFFL readthrough; minus strand), RAD51D (RAD51 paralog D; minus strand). Cytogenetic location: 17q12.
Variant type: single nucleotide variant.
Coding change: c.441C>A on transcript NM_002878.4 (MANE Select); coding-DNA position 441, C replaced by A.
Protein change: p.Leu147=; no amino-acid change (leucine 147 retained).
Molecular consequence: synonymous variant. On other transcripts: non-coding transcript variant (1), intron variant (1).
Genome position (GRCh38, 1-based): chr17:35,107,027, G>T on the plus strand (C>A on the coding strand, the complement: RAD51D is on the minus strand). VCF-style: chr17-35107027-G-T. GRCh37 (hg19) VCF-style: chr17-33434046-G-T.
Other names: c.501C>A, p.Leu167= (NM_001142571.2); c.145-546C>A (NM_133629.3).
Identifiers: ClinVar variation 619912 (VCV000619912.12), dbSNP rs1567728273, ClinGen allele CA499731686.

ClinVar aggregate classification (germline): Conflicting classifications of pathogenicity. Review status: criteria provided, conflicting classifications (1 of 4 stars). 5 submissions from 5 submitters: Uncertain significance (1); Benign (1); Likely benign (3). Last evaluated 2025-03-04.

Conditions:
Breast-ovarian cancer, familial, susceptibility to, 4. Identifiers: Orphanet 145, MedGen C3280345, MONDO:0013669, OMIM 614291.
Hereditary cancer-predisposing syndrome. Also called: Tumor predisposition; Hereditary Cancer Syndrome; Neoplastic Syndromes, Hereditary; Hereditary neoplastic syndrome. Identifiers: Orphanet 140162, MedGen C0027672, MeSH D009386, MONDO:0015356.

Submissions (5):

Labcorp Genetics (formerly Invitae), Labcorp
Classification: Likely benign for Breast-ovarian cancer, familial, susceptibility to, 4. Last evaluated: 2025-03-04. Review status: criteria provided, single submitter. Criteria: Invitae Variant Classification Sherloc (09022015). Collection method: clinical testing. Allele origin: germline.

Ambry Genetics
Classification: Likely benign for Hereditary cancer-predisposing syndrome. Last evaluated: 2025-02-22. Review status: criteria provided, single submitter. Criteria: Ambry Variant Classification Scheme 2023. Collection method: clinical testing. Allele origin: germline.

Myriad Genetics, Inc.
Classification: Benign for Breast-ovarian cancer, familial, susceptibility to, 4. Last evaluated: 2025-02-21. Review status: criteria provided, single submitter. Criteria: Myriad Autosomal Dominant, Autosomal Recessive and X-Linked Classification Criteria (2023). Collection method: clinical testing. Allele origin: unknown.
Comment: This variant is considered benign. This variant is a silent/synonymous amino acid change and it is not expected to impact splicing.

Color Diagnostics, LLC DBA Color Health
Classification: Likely benign for Hereditary cancer-predisposing syndrome. Last evaluated: 2024-09-30. Review status: criteria provided, single submitter. Criteria: ACMG Guidelines, 2015. Collection method: clinical testing. Allele origin: germline.

Quest Diagnostics Nichols Institute San Juan Capistrano
Classification: Uncertain significance. Last evaluated: 2018-06-12. Review status: criteria provided, single submitter. Criteria: Quest Diagnostics criteria. Collection method: clinical testing. Allele origin: germline.